The following is an entry in ClinVar:

ClinVar aggregate classification (germline): Uncertain significance. Review status: criteria provided, multiple submitters, no conflicts (2 of 4 stars). 2 submissions from 2 submitters: Uncertain significance (2). Last evaluated 2025-06-16.

Allele frequency attached by ClinVar (database versions not stated): gnomAD exomes below 0.00001; TOPMed below 0.00001; ExAC 0.00001.
gnomAD v4.1: 2 of 1,613,674 alleles (0.00012%); highest among the groups gnomAD compares: Non-Finnish European, 0.00017%; no homozygotes.

Submissions (2):

GeneDx
Classification: Uncertain significance. Last evaluated: 2025-06-16. Review status: criteria provided, single submitter. Criteria: GeneDx Variant Classification Process June 2021. Collection method: clinical testing. Allele origin: germline. Affected: yes.
Comment: Not observed at significant frequency in large population cohorts (gnomAD); In silico analysis suggests that this missense variant does not alter protein structure/function; Has not been previously published as pathogenic or benign to our knowledge

Labcorp Genetics (formerly Invitae), Labcorp
Classification: Uncertain significance. Last evaluated: 2021-10-09. Review status: criteria provided, single submitter. Criteria: Invitae Variant Classification Sherloc (09022015). Collection method: clinical testing. Allele origin: germline.
Comment: Algorithms developed to predict the effect of missense changes on protein structure and function (SIFT, PolyPhen-2, Align-GVGD) all suggest that this variant is likely to be tolerated. In summary, the available evidence is currently insufficient to determine the role of this variant in disease. Therefore, it has been classified as a Variant of Uncertain Significance. This variant has not been reported in the literature in individuals affected with IRF4-related conditions. This variant is present in population databases (rs775948276, ExAC 0.002%). This sequence change replaces histidine with glutamine at codon 373 of the IRF4 protein (p.His373Gln). The histidine residue is moderately conserved and there is a small physicochemical difference between histidine and glutamine.

NM_002460.4(IRF4):c.1119C>G (p.His373Gln)

Genes: IRF4 (interferon regulatory factor 4; plus strand), LOC129995575 (ATAC-STARR-seq lymphoblastoid active region 23845; plus strand). Cytogenetic location: 6p25.3.
Variant type: single nucleotide variant.
Coding change: c.1119C>G on transcript NM_002460.4 (MANE Select); coding-DNA position 1119, C replaced by G.
Protein change: p.His373Gln; replaces histidine 373 with glutamine.
Molecular consequence: missense variant. On other transcripts: non-coding transcript variant (1).
Genome position (GRCh38, 1-based): chr6:405,037, C>G. VCF-style: chr6-405037-C-G. GRCh37 (hg19) VCF-style: chr6-405037-C-G.
Other names: c.1116C>G, p.His372Gln (NM_001195286.2); c.1119C>G (NM_002460.3); short protein forms H373Q, H372Q.
Identifiers: ClinVar variation 1438128 (VCV001438128.7), dbSNP rs775948276, ClinGen allele CA3612888.